The following is an entry in ClinVar:

NM_002610.5(PDK1):c.713G>A (p.Arg238His)

Gene: PDK1 (pyruvate dehydrogenase kinase 1; plus strand). Cytogenetic location: 2q31.1.
Variant type: single nucleotide variant.
Coding change: c.713G>A on transcript NM_002610.5 (MANE Select); coding-DNA position 713, G replaced by A.
Protein change: p.Arg238His; replaces arginine 238 with histidine.
Molecular consequence: missense variant. On other transcripts: non-coding transcript variant (2).
Genome position (GRCh38, 1-based): chr2:172,566,877, G>A. VCF-style: chr2-172566877-G-A. GRCh37 (hg19) VCF-style: chr2-173431605-G-A.
Other names: c.773G>A, p.Arg258His (NM_001278549.2); short protein forms R238H, R258H.
Identifiers: ClinVar variation 5026464 (VCV005026464.1).

ClinVar aggregate classification (germline): Uncertain significance (1 of 4 stars; one submission).

gnomAD v4.1: 23 of 1,609,608 alleles (0.0014%); highest among the groups gnomAD compares: East Asian, 0.0067%; no homozygotes.

Submission:

Ambry Genetics
Classification: Uncertain significance. Last evaluated: 2026-07-14. Review status: criteria provided, single submitter. Criteria: Ambry Variant Classification Scheme 2023. Collection method: clinical testing. Allele origin: germline.
Comment: The c.713G>A (p.R238H) alteration is located in exon 6 (coding exon 6) of the PDK1 gene. This alteration results from a G to A substitution at nucleotide position 713, causing the arginine (R) at amino acid position 238 to be replaced by a histidine (H). Based on data from gnomAD, the A allele has an overall frequency of 0.001% (4/282146) total alleles studied. The highest observed frequency was 0.003% (4/128950) of European (non-Finnish) alleles. Based on insufficient or conflicting evidence, the clinical significance of this alteration remains unclear.